The following is an entry in ClinVar:

ClinVar aggregate classification (germline): Uncertain significance (1 of 4 stars; one submission).

Conditions:
Cohen syndrome (COH1). Also called: PEPPER SYNDROME; Cutis verticis gyrata, retinitis pigmentosa, and sensorineural deafness. Identifiers: Orphanet 193, MedGen C0265223, MONDO:0008999, OMIM 216550.

Submission:

Labcorp Genetics (formerly Invitae), Labcorp
Classification: Uncertain significance for Cohen syndrome. Last evaluated: 2022-10-24. Review status: criteria provided, single submitter. Criteria: Invitae Variant Classification Sherloc (09022015). Collection method: clinical testing. Allele origin: germline.
Comment: In summary, the available evidence is currently insufficient to determine the role of this variant in disease. Therefore, it has been classified as a Variant of Uncertain Significance. Advanced modeling of protein sequence and biophysical properties (such as structural, functional, and spatial information, amino acid conservation, physicochemical variation, residue mobility, and thermodynamic stability) performed at Invitae indicates that this missense variant is expected to disrupt VPS13B protein function. ClinVar contains an entry for this variant (Variation ID: 1434571). This variant has not been reported in the literature in individuals affected with VPS13B-related conditions. This variant is not present in population databases (gnomAD no frequency). This sequence change replaces valine with phenylalanine at codon 1938 of the VPS13B protein (p.Val1938Phe). The valine residue is moderately conserved and there is a small physicochemical difference between valine and phenylalanine.

NM_152564.5(VPS13B):c.5737G>T (p.Val1913Phe)

Gene: VPS13B (vacuolar protein sorting 13 homolog B; plus strand). Cytogenetic location: 8q22.2.
Variant type: single nucleotide variant.
Coding change: c.5737G>T on transcript NM_152564.5 (MANE Select); coding-DNA position 5737, G replaced by T.
Protein change: p.Val1913Phe; replaces valine 1913 with phenylalanine.
Molecular consequence: missense variant.
Genome position (GRCh38, 1-based): chr8:99,642,327, G>T. VCF-style: chr8-99642327-G-T. GRCh37 (hg19) VCF-style: chr8-100654555-G-T.
Other names: c.5812G>T, p.Val1938Phe (NM_017890.5); short protein forms V1913F, V1938F.
Identifiers: ClinVar variation 1434571 (VCV001434571.6), dbSNP rs2133932316, ClinGen allele CA371873199.